The following is an entry in ClinVar:

NM_000122.2(ERCC3):c.649_652del (p.Lys217fs)

Gene: ERCC3 (ERCC excision repair 3, TFIIH core complex helicase subunit; minus strand). Cytogenetic location: 2q14.3.
Variant type: Deletion.
Coding change: c.649_652del on transcript NM_000122.2 (MANE Select); coding-DNA positions 649 to 652, 4 bases deleted (AAAT; older notation c.649_652delAAAT).
Protein change: p.Lys217fs; shifts the reading frame from lysine 217.
Molecular consequence: frameshift variant.
Genome position (GRCh38, 1-based): chr2:127,289,694-127,289,697, ATTT deleted on the plus strand (AAAT on the coding strand, the reverse complement: ERCC3 is on the minus strand). VCF-style (leftmost placement, unchanged base first): chr2-127289693-GATTT-G. GRCh37 (hg19) VCF-style: chr2-128047269-GATTT-G.
Other names: c.457_460del, p.Lys153fs (NM_001303416.2, NM_001303418.2); short protein forms K217fs, K153fs.
Identifiers: ClinVar variation 3644200 (VCV003644200.2).
Genomic context (GRCh38, chr2:127,289,693, plus strand): 5'-GAACTGAAATCCTAAATGCCTGCCCCCACCCAAGGGTGGCCCAGGAGTCCACATACGGCA[GATTT>G]GCTTGTGAAAGTCTCTGTGATGAGCTCAGTGGCCTCCCCTTCAGAGTTTCTTAAGCGGCA-3'

ClinVar aggregate classification (germline): Pathogenic (1 of 4 stars; one submission).

Submission:

Labcorp Genetics (formerly Invitae), Labcorp
Classification: Pathogenic. Last evaluated: 2024-03-02. Review status: criteria provided, single submitter. Criteria: Invitae Variant Classification Sherloc (09022015). Collection method: clinical testing. Allele origin: germline.
Comment: This sequence change creates a premature translational stop signal (p.Lys217Leufs*18) in the ERCC3 gene. It is expected to result in an absent or disrupted protein product. Loss-of-function variants in ERCC3 are known to be pathogenic (PMID: 16947863). This variant is not present in population databases (gnomAD no frequency). This variant has not been reported in the literature in individuals affected with ERCC3-related conditions. For these reasons, this variant has been classified as Pathogenic.

Literature cited by the submitters: PubMed 16947863.